The following is an entry in ClinVar:

ClinVar aggregate classification (germline): Pathogenic (1 of 4 stars; one submission).

Submission:

Labcorp Genetics (formerly Invitae), Labcorp
Classification: Pathogenic. Last evaluated: 2022-01-08. Review status: criteria provided, single submitter. Criteria: Invitae Variant Classification Sherloc (09022015). Collection method: clinical testing. Allele origin: germline.
Comment: For these reasons, this variant has been classified as Pathogenic. This variant has not been reported in the literature in individuals affected with COL4A2-related conditions. This variant is not present in population databases (gnomAD no frequency). This sequence change creates a premature translational stop signal (p.Arg431Alafs*16) in the COL4A2 gene. It is expected to result in an absent or disrupted protein product. Loss-of-function variants in COL4A2 are known to be pathogenic (PMID: 22333902, 30315939).

Literature cited by the submitters: PubMed 22333902; PubMed 30315939.

NM_001846.4(COL4A2):c.1289dup (p.Arg431fs)

Gene: COL4A2 (collagen type IV alpha 2 chain; plus strand). Cytogenetic location: 13q34.
Variant type: Duplication.
Coding change: c.1289dup on transcript NM_001846.4 (MANE Select); coding-DNA position 1289, one base duplicated (A; older notation c.1289dupA).
Protein change: p.Arg431fs; shifts the reading frame from arginine 431.
Molecular consequence: frameshift variant.
Genome position (GRCh38, 1-based): chr13:110,450,404, A duplicated; the last of 3 consecutive A bases (chr13:110,450,402-110,450,404); duplicating any one gives the same sequence. VCF-style (leftmost placement, unchanged base first): chr13-110450401-G-GA. GRCh37 (hg19) VCF-style: chr13-111102748-G-GA.
Other names: short protein forms R431fs.
Identifiers: ClinVar variation 2151150 (VCV002151150.4), dbSNP rs2502095134, ClinGen allele CA2580087150.